The following is an entry in ClinVar:

ClinVar aggregate classification (germline): Benign (1 of 4 stars; one submission).

Allele frequency attached by ClinVar (database versions not stated): ESP Exome Variant Server 0.00123; 1000 Genomes Project 0.00140; 1000 Genomes Project 30x 0.00172.

Submission:

CeGaT Center for Human Genetics Tuebingen
Classification: Benign. Last evaluated: 2025-05-01. Review status: criteria provided, single submitter. Criteria: CeGaT Center For Human Genetics Tuebingen Variant Classification Criteria Version 2. Collection method: clinical testing. Allele origin: germline. Affected: yes. Observed: 5 variant alleles.
Comment: SMG8: BP4, BP7, BS1, BS2

NM_018149.7(SMG8):c.1788G>T (p.Pro596=)

Gene: SMG8 (SMG8 nonsense mediated mRNA decay factor; plus strand). Cytogenetic location: 17q22.
Variant type: single nucleotide variant.
Coding change: c.1788G>T on transcript NM_018149.7 (MANE Select); coding-DNA position 1788, G replaced by T.
Protein change: p.Pro596=; no amino-acid change (proline 596 retained).
Molecular consequence: synonymous variant.
Genome position (GRCh38, 1-based): chr17:59,212,369, G>T. VCF-style: chr17-59212369-G-T. GRCh37 (hg19) VCF-style: chr17-57289730-G-T.
Identifiers: ClinVar variation 2647981 (VCV002647981.24), dbSNP rs143473864, ClinGen allele CA8679658.
Genomic context (GRCh38, chr17:59,212,369, plus strand): 5'-ATGAAATTAATAGTGGCTGTTATATTTTCCAGGAGAAAAACCAGAGGCTGATAGAAATCC[G>T]CCTGTGCTATATCACAATAGCCGAGCTCGATCTACTGGTGCTTGCAACTGTGGAAGGAAA-3'
Protein context (NP_060619.4, residues 586-606): SGEKPEADRN[Pro596=]PVLYHNSRAR